The following is an entry in ClinVar:

ClinVar aggregate classification (germline): Conflicting classifications of pathogenicity. Review status: criteria provided, conflicting classifications (1 of 4 stars). 3 submissions from 3 submitters: Uncertain significance (1); Likely benign (2). Last evaluated 2025-02-25.

Conditions:
BAP1-related tumor predisposition syndrome (TPDS1). Also called: BAP1 tumor predisposition syndrome; Tumor susceptibility linked to germline BAP1 mutations; COMMON Syndrome; TUMOR PREDISPOSITION SYNDROME 1. Identifiers: Orphanet 289539, MedGen C3280492, MONDO:0013692, OMIM 614327.

Submissions (3):

Quest Diagnostics Nichols Institute San Juan Capistrano
Classification: Uncertain significance. Last evaluated: 2025-02-25. Review status: criteria provided, single submitter. Criteria: Quest Diagnostics criteria. Collection method: clinical testing. Allele origin: unknown.
Comment: The BAP1 c.931+7G>C variant has not been reported in individuals with BAP1-related conditions in the published literature. It also has not been reported in large, multi-ethnic general populations (Genome Aggregation Database). Analysis of this variant using software algorithms for the prediction of the effect of nucleotide changes on splicing yielded predictions that this variant does not affect BAP1 mRNA splicing. Based on the available information, we are unable to determine the clinical significance of this variant.

Myriad Genetics, Inc.
Classification: Likely benign for BAP1-related tumor predisposition syndrome. Last evaluated: 2024-07-15. Review status: criteria provided, single submitter. Criteria: Myriad Autosomal Dominant, Autosomal Recessive and X-Linked Classification Criteria (2023). Collection method: clinical testing. Allele origin: unknown.
Comment: This variant is considered likely benign. This variant is intronic and is not expected to impact mRNA splicing.

Labcorp Genetics (formerly Invitae), Labcorp
Classification: Likely benign for BAP1-related tumor predisposition syndrome. Last evaluated: 2024-06-23. Review status: criteria provided, single submitter. Criteria: Invitae Variant Classification Sherloc (09022015). Collection method: clinical testing. Allele origin: germline.

NM_004656.4(BAP1):c.931+7G>C

Gene: BAP1 (BRCA1 associated deubiquitinase 1; minus strand). Cytogenetic location: 3p21.1.
Variant type: single nucleotide variant.
Coding change: c.931+7G>C on transcript NM_004656.4 (MANE Select); 7 bases into the intron after coding-DNA position 931, G replaced by C.
Molecular consequence: intron variant.
Genome position (GRCh38, 1-based): chr3:52,405,758, C>G on the plus strand (G>C on the coding strand, the complement: BAP1 is on the minus strand). VCF-style: chr3-52405758-C-G. GRCh37 (hg19) VCF-style: chr3-52439774-C-G.
Other names: c.877+7G>C (NM_001410772.1); c.931+7G>C (NM_004656.3).
Identifiers: ClinVar variation 2906491 (VCV002906491.5), dbSNP rs2153227205, ClinGen allele CA2702820886.